The following is an entry in ClinVar:

NM_000388.4(CASR):c.142G>A (p.Asp48Asn)

Gene: CASR (calcium sensing receptor; plus strand). Cytogenetic location: 3q21.1.
Variant type: single nucleotide variant.
Coding change: c.142G>A on transcript NM_000388.4 (MANE Select); coding-DNA position 142, G replaced by A.
Protein change: p.Asp48Asn; replaces aspartic acid 48 with asparagine.
Molecular consequence: missense variant.
Genome position (GRCh38, 1-based): chr3:122,254,331, G>A. VCF-style: chr3-122254331-G-A. GRCh37 (hg19) VCF-style: chr3-121973178-G-A.
Other names: c.142G>A, p.Asp48Asn (NM_001178065.2); short protein forms D48N.
Identifiers: ClinVar variation 2951839 (VCV002951839.3), dbSNP rs2473205661, ClinGen allele CA354362216.

ClinVar aggregate classification (germline): Uncertain significance (1 of 4 stars; one submission).

Conditions:
Autosomal dominant hypocalcemia 1 (HYPOC1). Also called: HYPOCALCEMIA, FAMILIAL. Identifiers: MedGen C3715128, MONDO:0011013, OMIM 601198.
Familial hypocalciuric hypercalcemia (FHH). Also called: Familial benign hypercalcemia. Identifiers: Orphanet 405, MedGen C1809471, MONDO:0018458.

Submission:

Labcorp Genetics (formerly Invitae), Labcorp
Classification: Uncertain significance for Familial hypocalciuric hypercalcemia; Autosomal dominant hypocalcemia 1. Last evaluated: 2024-08-19. Review status: criteria provided, single submitter. Criteria: Invitae Variant Classification Sherloc (09022015). Collection method: clinical testing. Allele origin: germline.
Comment: This sequence change replaces aspartic acid, which is acidic and polar, with asparagine, which is neutral and polar, at codon 48 of the CASR protein (p.Asp48Asn). This variant is not present in population databases (gnomAD no frequency). This variant has not been reported in the literature in individuals affected with CASR-related conditions. An algorithm developed to predict the effect of missense changes on protein structure and function (PolyPhen-2) suggests that this variant is likely to be disruptive. In summary, the available evidence is currently insufficient to determine the role of this variant in disease. Therefore, it has been classified as a Variant of Uncertain Significance.